The following is an entry in ClinVar:

ClinVar aggregate classification (germline): Pathogenic (1 of 4 stars; one submission).

Conditions:
Neurofibromatosis, type 1 (NF1). Also called: NEUROFIBROMATOSIS, TYPE I, SOMATIC; VON RECKLINGHAUSEN DISEASE; Peripheral type neurofibromatosis; Neurofibromatosis, type I. Identifiers: Orphanet 636, MedGen C0027831, MONDO:0018975, OMIM 162200. Disease mechanism: loss of function.

Submission:

Labcorp Genetics (formerly Invitae), Labcorp
Classification: Pathogenic for Neurofibromatosis, type 1. Last evaluated: 2025-09-25. Review status: criteria provided, single submitter. Criteria: Invitae Variant Classification Sherloc (09022015). Collection method: clinical testing. Allele origin: germline.
Comment: This sequence change creates a premature translational stop signal (p.Arg512Glufs*14) in the NF1 gene. It is expected to result in an absent or disrupted protein product. Loss-of-function variants in NF1 are known to be pathogenic (PMID: 10712197, 23913538). This variant is not present in population databases (gnomAD no frequency). This variant has not been reported in the literature in individuals affected with NF1-related conditions. For these reasons, this variant has been classified as Pathogenic.

Literature cited by the submitters: PubMed 10712197; PubMed 23913538.

NM_001042492.3(NF1):c.1534del (p.Arg512fs)

Gene: NF1 (neurofibromin 1; plus strand). Cytogenetic location: 17q11.2.
Variant type: Deletion.
Coding change: c.1534del on transcript NM_001042492.3 (MANE Select); coding-DNA position 1534, one base deleted (A; older notation c.1534delA).
Protein change: p.Arg512fs; shifts the reading frame from arginine 512.
Molecular consequence: frameshift variant.
Genome position (GRCh38, 1-based): chr17:31,219,011, A deleted; the last of 2 consecutive A bases (chr17:31,219,010-31,219,011); deleting either gives the same sequence. VCF-style (leftmost placement, unchanged base first): chr17-31219009-CA-C. GRCh37 (hg19) VCF-style: chr17-29546027-CA-C.
Other names: c.1534del, p.Arg512fs (NM_000267.4, NM_001128147.3); short protein forms R512fs.
Identifiers: ClinVar variation 4727849 (VCV004727849.1).
Genomic context (GRCh38, chr17:31,219,009, plus strand): 5'-TAATCTCTCTCGATTTATTTATTTTTTTAATTGAAGTTTCCTTTTTTTCCTTGCAGAATC[CA>C]AGAAAACAGGGGCCCGAAACCCAAGGCAGTACAGCAGAATTAATTACAGGGCTCGTCCAA-3'